The following is an entry in ClinVar:

ClinVar aggregate classification (germline): Uncertain significance (1 of 4 stars; one submission).

Submission:

Labcorp Genetics (formerly Invitae), Labcorp
Classification: Uncertain significance. Last evaluated: 2021-07-09. Review status: criteria provided, single submitter. Criteria: Invitae Variant Classification Sherloc (09022015). Collection method: clinical testing. Allele origin: germline.
Comment: This sequence change replaces alanine with serine at codon 764 of the ABCC6 protein (p.Ala764Ser). The alanine residue is highly conserved and there is a moderate physicochemical difference between alanine and serine. In summary, the available evidence is currently insufficient to determine the role of this variant in disease. Therefore, it has been classified as a Variant of Uncertain Significance. Advanced modeling of protein sequence and biophysical properties (such as structural, functional, and spatial information, amino acid conservation, physicochemical variation, residue mobility, and thermodynamic stability) performed at Invitae indicates that this missense variant is expected to disrupt ABCC6 protein function. This variant has not been reported in the literature in individuals affected with ABCC6-related conditions. This variant is not present in population databases (ExAC no frequency).

NM_001171.6(ABCC6):c.2290G>T (p.Ala764Ser)

Gene: ABCC6 (ATP binding cassette subfamily C member 6; minus strand). Cytogenetic location: 16p13.11.
Variant type: single nucleotide variant.
Coding change: c.2290G>T on transcript NM_001171.6 (MANE Select); coding-DNA position 2290, G replaced by T.
Protein change: p.Ala764Ser; replaces alanine 764 with serine.
Molecular consequence: missense variant. On other transcripts: non-coding transcript variant (1).
Genome position (GRCh38, 1-based): chr16:16,178,923, C>A on the plus strand (G>T on the coding strand, the complement: ABCC6 is on the minus strand). VCF-style: chr16-16178923-C-A. GRCh37 (hg19) VCF-style: chr16-16272780-C-A.
Other names: c.1948G>T, p.Ala650Ser (NM_001351800.1); short protein forms A650S, A764S.
Identifiers: ClinVar variation 1437466 (VCV001437466.8), dbSNP rs2152252668, ClinGen allele CA394888116.